The following is an entry in ClinVar:

NM_020631.6(PLEKHG5):c.1940T>C (p.Phe647Ser)

Gene: PLEKHG5 (pleckstrin homology and RhoGEF domain containing G5; minus strand). Cytogenetic location: 1p36.31.
Variant type: single nucleotide variant.
Coding change: c.1940T>C on transcript NM_020631.6 (MANE Select); coding-DNA position 1940, T replaced by C.
Protein change: p.Phe647Ser; replaces phenylalanine 647 with serine.
Molecular consequence: missense variant.
Genome position (GRCh38, 1-based): chr1:6,469,444, A>G on the plus strand (T>C on the coding strand, the complement: PLEKHG5 is on the minus strand). VCF-style: chr1-6469444-A-G. GRCh37 (hg19) VCF-style: chr1-6529504-A-G.
Other names: c.2051T>C, p.Phe684Ser (NM_001042663.3, NM_001265592.2); c.1940T>C, p.Phe647Ser (NM_001042664.2, NM_001042665.2, NM_001265594.3 and 1 more transcripts); c.2147T>C, p.Phe716Ser (NM_001265593.2); short protein forms F647S, F716S, F684S.
Identifiers: ClinVar variation 1019 (VCV000001019.3), dbSNP rs63750315, ClinGen allele CA114710.

ClinVar aggregate classification (germline): Conflicting classifications of pathogenicity. Review status: no assertion criteria provided (0 of 4 stars). 3 submissions from 3 submitters: Pathogenic (1); Uncertain significance (1). 1 of the submissions does not count toward it. Last evaluated 2007-07-01.

Conditions:
Hereditary motor neuron disease. Also called: Genetic motor neuron disease. Identifiers: Orphanet 98505, MedGen C0270763, MONDO:0024257.
Neuronopathy, distal hereditary motor, autosomal recessive 4. Also called: Autosomal recessive lower motor neuron disease with childhood onset; NEUROPATHY, DISTAL HEREDITARY MOTOR, AUTOSOMAL RECESSIVE 4. Identifiers: Orphanet 206580, MedGen C1970211, MONDO:0012608, OMIM 611067.

Submissions (3):

OMIM
Classification: Pathogenic for NEURONOPATHY, DISTAL HEREDITARY MOTOR, AUTOSOMAL RECESSIVE 4. Last evaluated: 2007-07-01. Review status: no assertion criteria provided. Collection method: literature only. Allele origin: germline.

Inherited Neuropathy Consortium
Classification: Uncertain significance for Genetic motor neuron disease. Review status: no assertion criteria provided. Collection method: literature only. Allele origin: germline. Affected: yes.

SN ONGC Dept of Genetics and Molecular biology Vision Research Foundation
No classification provided. Condition: Distal spinal muscular atrophy, autosomal recessive 4. Review status: no classification provided. Collection method: not provided. Allele origin: unknown. Not counted in ClinVar's aggregate classification.
Comment: test comment 1

Literature cited by the submitters: PubMed 16728649 (cited by OMIM); PubMed 17564964 (cited by OMIM and Inherited Neuropathy Consortium).